The following is an entry in ClinVar:

ClinVar aggregate classification (germline): Uncertain significance (1 of 4 stars; one submission).

Allele frequency attached by ClinVar (database versions not stated): gnomAD exomes 0.00001.
gnomAD v4.1: 10 of 1,610,592 alleles (0.00062%); highest among the groups gnomAD compares: Non-Finnish European, 0.00085%; no homozygotes.

Submission:

Women's Health and Genetics/Laboratory Corporation of America, LabCorp
Classification: Uncertain significance. Last evaluated: 2024-03-01. Review status: criteria provided, single submitter. Criteria: LabCorp Variant Classification Summary - May 2015. Collection method: clinical testing. Allele origin: germline.
Comment: Variant summary: FUT8 c.1135A>G (p.Ile379Val) results in a conservative amino acid change located in the Glycosyltransferase family 23 (GT23) domain (IPR027350) of the encoded protein sequence. Three of five in-silico tools predict a benign effect of the variant on protein function. The variant was absent in 244852 control chromosomes. The available data on variant occurrences in the general population are insufficient to allow any conclusion about variant significance. To our knowledge, no occurrence of c.1135A>G in individuals affected with Congenital Disorder Of Glycosylation With Defective Fucosylation and no experimental evidence demonstrating its impact on protein function have been reported. No submitters have cited clinical-significance assessments for this variant to ClinVar. Based on the evidence outlined above, the variant was classified as uncertain significance.

NM_001371533.1(FUT8):c.1135A>G (p.Ile379Val)

Gene: FUT8 (fucosyltransferase 8; plus strand). Cytogenetic location: 14q23.3.
Variant type: single nucleotide variant.
Coding change: c.1135A>G on transcript NM_001371533.1 (MANE Select); coding-DNA position 1135, A replaced by G.
Protein change: p.Ile379Val; replaces isoleucine 379 with valine.
Molecular consequence: missense variant.
Genome position (GRCh38, 1-based): chr14:65,724,199, A>G. VCF-style: chr14-65724199-A-G. GRCh37 (hg19) VCF-style: chr14-66190917-A-G.
Other names: c.1135A>G, p.Ile379Val (NM_001371534.1, NM_178155.3, NM_178156.2); c.1237A>G, p.Ile413Val (NM_001371536.1); c.646A>G, p.Ile216Val (NM_004480.4); short protein forms I216V, I379V, I413V.
Identifiers: ClinVar variation 3233683 (VCV003233683.2), dbSNP rs2503444758, ClinGen allele CA390246807.